The following is an entry in ClinVar:

ClinVar aggregate classification (germline): Benign/Likely benign. Review status: criteria provided, multiple submitters, no conflicts (2 of 4 stars). 2 submissions from 2 submitters: Benign (1); Likely benign (1). Last evaluated 2019-05-06.

Conditions:
Maple syrup urine disease (MSUD). Identifiers: Orphanet 511, MedGen C0024776, MeSH D008375, MONDO:0009563. Disease mechanism: loss of function.

Allele frequency attached by ClinVar (database versions not stated): gnomAD 0.00004 and 0.00066; TOPMed 0.00019; gnomAD exomes 0.00116 and 0.00241; ExAC 0.00236; 1000 Genomes Project 30x 0.00359; 1000 Genomes Project 0.00399.
gnomAD v4.1: 1,693 of 1,506,104 alleles (0.11%); highest among the groups gnomAD compares: South Asian, 2%; 32 homozygotes.

Submissions (2):

GeneDx
Classification: Likely benign. Last evaluated: 2019-05-06. Review status: criteria provided, single submitter. Criteria: GeneDx Variant Classification (06012015). Collection method: clinical testing. Allele origin: germline. Affected: yes.

Illumina Laboratory Services, Illumina
Classification: Benign for Maple syrup urine disease type 1A. Last evaluated: 2018-01-13. Review status: criteria provided, single submitter. Criteria: ICSL Variant Classification Criteria 13 December 2019. Collection method: clinical testing. Allele origin: germline.
Comment: This variant was observed in the ICSL laboratory as part of a predisposition screen in an ostensibly healthy population. It had not been previously curated by ICSL or reported in the Human Gene Mutation Database (HGMD: prior to June 1st, 2018), and was therefore a candidate for classification through an automated scoring system. Utilizing variant allele frequency, disease prevalence and penetrance estimates, and inheritance mode, an automated score was calculated to assess if this variant is too frequent to cause the disease. Based on the score and internal cut-off values, a variant classified as benign is not then subjected to further curation. The score for this variant resulted in a classification of benign for this disease.

NM_000709.4(BCKDHA):c.*68G>A

Gene: BCKDHA (branched chain keto acid dehydrogenase E1 subunit alpha; plus strand). Cytogenetic location: 19q13.2.
Variant type: single nucleotide variant.
Coding change: c.*68G>A on transcript NM_000709.4 (MANE Select); 68 bases downstream of the stop codon, G replaced by A.
Molecular consequence: 3 prime UTR variant.
Genome position (GRCh38, 1-based): chr19:41,424,676, G>A. VCF-style: chr19-41424676-G-A. GRCh37 (hg19) VCF-style: chr19-41930581-G-A.
Other names: c.*68G>A (NM_001164783.2).
Identifiers: ClinVar variation 329371 (VCV000329371.6), dbSNP rs375492462, ClinGen allele CA9461444.
Genomic context (GRCh38, chr19:41,424,676, plus strand): 5'-TCAGCCCACCCCCACCCATCCTCAGCTACCCCGAGAGGTAGCCCCACTCTAAGGGGAGCA[G>A]GGGGACCTGACAGCACACCACTGTCTTCCCCAGTCAGCTCCCTCTAAAATACTCAGCGGC-3'